The following is an entry in ClinVar:

NM_000540.3(RYR1):c.8052C>T (p.Asp2684=)

Gene: RYR1 (ryanodine receptor 1; plus strand). Cytogenetic location: 19q13.2.
Variant type: single nucleotide variant.
Coding change: c.8052C>T on transcript NM_000540.3 (MANE Select); coding-DNA position 8052, C replaced by T.
Protein change: p.Asp2684=; no amino-acid change (aspartic acid 2684 retained).
Molecular consequence: synonymous variant.
Genome position (GRCh38, 1-based): chr19:38,504,345, C>T. VCF-style: chr19-38504345-C-T. GRCh37 (hg19) VCF-style: chr19-38994985-C-T.
Other names: c.8052C>T, p.Asp2684= (NM_001042723.2).
Identifiers: ClinVar variation 1592158 (VCV001592158.9), dbSNP rs961505940, ClinGen allele CA308115950.

ClinVar aggregate classification (germline): Likely benign. Review status: criteria provided, multiple submitters, no conflicts (2 of 4 stars). 2 submissions from 2 submitters: Likely benign (2). Last evaluated 2023-09-17.

Conditions:
RYR1-related disorder. Also called: RYR1-related condition; RYR1-related disorders. Identifiers: MedGen CN239331.
Malignant hyperthermia, susceptibility to, 1 (MHS1). Also called: Malignant hyperthermia suceptibility 1; Anesthesia related hyperthermia; Malignant hyperpyrexia; Fulminating hyperpyrexia; Pharmacogenic myopathy; RYR1-Related Malignant Hyperthermia Susceptibility. Identifiers: Orphanet 423, MedGen C2930980, MONDO:0007783, OMIM 145600.

Allele frequency attached by ClinVar (database versions not stated): TOPMed 0.00001.

Submissions (2):

All of Us Research Program, National Institutes of Health
Classification: Likely benign for Malignant hyperthermia, susceptibility to, 1. Last evaluated: 2023-09-17. Review status: criteria provided, single submitter. Criteria: ACMG Guidelines, 2015. Collection method: clinical testing. Allele origin: germline. Inheritance: Autosomal dominant inheritance. Observed: 2 variant alleles, 2 heterozygotes.
Comment: This study involves interpretation of variants in research participants for the purpose of population health screening. Participant phenotype was not available at the time of variant classification. Additional details can be found in publication PMID: 35346344, PMCID: PMC8962531

Labcorp Genetics (formerly Invitae), Labcorp
Classification: Likely benign for RYR1-related disorder. Last evaluated: 2023-08-16. Review status: criteria provided, single submitter. Criteria: Invitae Variant Classification Sherloc (09022015). Collection method: clinical testing. Allele origin: germline.